The following is an entry in ClinVar:

NM_030662.4(MAP2K2):c.483G>T (p.Glu161Asp)

Gene: MAP2K2 (mitogen-activated protein kinase kinase 2; minus strand). Cytogenetic location: 19p13.3.
Variant type: single nucleotide variant.
Coding change: c.483G>T on transcript NM_030662.4 (MANE Select); coding-DNA position 483, G replaced by T.
Protein change: p.Glu161Asp; replaces glutamic acid 161 with aspartic acid.
Molecular consequence: missense variant. On other transcripts: 5 prime UTR variant (1).
Genome position (GRCh38, 1-based): chr19:4,102,421, C>A on the plus strand (G>T on the coding strand, the complement: MAP2K2 is on the minus strand). VCF-style: chr19-4102421-C-A. GRCh37 (hg19) VCF-style: chr19-4102419-C-A.
Other names: c.483G>T, p.Glu161Asp (NM_001440688.1); c.-88G>T (NM_001440689.1); short protein forms E161D.
Identifiers: ClinVar variation 4802525 (VCV004802525.1).
Genomic context (GRCh38, chr19:4,102,421, plus strand): 5'-CTGCGGTGGACTCACCGCGATGCTGACTTTCCCCAGGATCTCCTCGGGAATCCTCTTGGC[C>A]TCTTTCAGCACCTGGTCCAGGGAGCCGCCGTCCTAGAGGGCACACAAGGAGTGAGTGCAG-3'
Protein context (NP_109587.1, residues 151-171): DGGSLDQVLK[Glu161Asp]AKRIPEEILG

ClinVar aggregate classification (germline): Uncertain significance (1 of 4 stars; one submission).

Conditions:
RASopathy. Also called: rasopathies; Noonan spectrum disorder. Identifiers: Orphanet 536391, MedGen C5555857, MONDO:0021060.

Submission:

Labcorp Genetics (formerly Invitae), Labcorp
Classification: Uncertain significance for RASopathy. Last evaluated: 2025-08-20. Review status: criteria provided, single submitter. Criteria: Invitae Variant Classification Sherloc (09022015). Collection method: clinical testing. Allele origin: germline.
Comment: This sequence change replaces glutamic acid, which is acidic and polar, with aspartic acid, which is acidic and polar, at codon 161 of the MAP2K2 protein (p.Glu161Asp). This variant is not present in population databases (gnomAD no frequency). This variant has not been reported in the literature in individuals affected with MAP2K2-related conditions. Invitae Evidence Modeling of protein sequence and biophysical properties (such as structural, functional, and spatial information, amino acid conservation, physicochemical variation, residue mobility, and thermodynamic stability) indicates that this missense variant is not expected to disrupt MAP2K2 protein function with a negative predictive value of 95%. In summary, the available evidence is currently insufficient to determine the role of this variant in disease. Therefore, it has been classified as a Variant of Uncertain Significance.